The following is an entry in ClinVar:

NM_001130438.3(SPTAN1):c.4910G>A (p.Arg1637His)

Gene: SPTAN1 (spectrin alpha, non-erythrocytic 1; plus strand). Cytogenetic location: 9q34.11.
Variant type: single nucleotide variant.
Coding change: c.4910G>A on transcript NM_001130438.3 (MANE Select); coding-DNA position 4910, G replaced by A.
Protein change: p.Arg1637His; replaces arginine 1637 with histidine.
Molecular consequence: missense variant.
Genome position (GRCh38, 1-based): chr9:128,612,113, G>A. VCF-style: chr9-128612113-G-A. GRCh37 (hg19) VCF-style: chr9-131374392-G-A.
Other names: c.4835G>A, p.Arg1612His (NM_001195532.2); c.4910G>A, p.Arg1637His (NM_001363759.2, NM_001375310.1, NM_001375311.2 and 1 more transcripts); c.4850G>A, p.Arg1617His (NM_001363765.2, NM_001375314.2); c.4946G>A, p.Arg1649His (NM_001375312.2, NM_001375318.1); c.4895G>A, p.Arg1632His (NM_003127.4); short protein forms R1649H, R1617H, R1637H, R1612H, R1632H.
Identifiers: ClinVar variation 838408 (VCV000838408.12), dbSNP rs777707442, ClinGen allele CA200399775.

ClinVar aggregate classification (germline): Conflicting classifications of pathogenicity. Review status: criteria provided, conflicting classifications (1 of 4 stars). 2 submissions from 2 submitters: Uncertain significance (1); Likely benign (1). Last evaluated 2025-12-09.

Conditions:
Early-infantile DEE. Also called: Early infantile epileptic encephalopathy; Ohtahara syndrome; Early infantile epileptic encephalopathy with suppression bursts. Identifiers: Orphanet 1934, MedGen C0393706, MONDO:0800491.
Developmental and epileptic encephalopathy, 5 (DEE5). Identifiers: Orphanet 3451, MedGen C3150731, MONDO:0013277, OMIM 613477.

Allele frequency attached by ClinVar (database versions not stated): gnomAD exomes below 0.00001 and 0.00001; TOPMed below 0.00001.

Submissions (2):

Dasa
Classification: Uncertain significance for Developmental and epileptic encephalopathy, 5. Last evaluated: 2025-12-09. Review status: criteria provided, single submitter. Criteria: DASA Assertion Criteria. Collection method: clinical testing. Allele origin: germline.
Comment: NM_001130438.3(SPTAN1):c.4910G>A (p.Arg1637His) is a missense variant that results in the substitution of arginine with histidine. This variant is rare in population databases. The currently available literature and clinical evidence are not sufficient to establish a definitive association between this variant and the reported condition. Therefore, this variant is classified as a variant of uncertain significance.

Labcorp Genetics (formerly Invitae), Labcorp
Classification: Likely benign for Early-infantile DEE. Last evaluated: 2024-08-11. Review status: criteria provided, single submitter. Criteria: Invitae Variant Classification Sherloc (09022015). Collection method: clinical testing. Allele origin: germline.